The following is an entry in ClinVar:

ClinVar aggregate classification (germline): Benign/Likely benign. Review status: criteria provided, multiple submitters, no conflicts (2 of 4 stars). 4 submissions from 4 submitters: Benign (1); Likely benign (3). Last evaluated 2026-02-04.

Conditions:
Fraser syndrome 2 (FRASRS2). Identifiers: MedGen C4540036, MONDO:0054738, OMIM 617666.

Allele frequency attached by ClinVar (database versions not stated): 1000 Genomes Project 0.00300; gnomAD 0.00321 and 0.00329; 1000 Genomes Project 30x 0.00328; gnomAD exomes 0.00351 and 0.00432; ExAC 0.00362; TOPMed 0.00373; ESP Exome Variant Server 0.00377.
gnomAD v4.1: 6,807 of 1,613,126 alleles (0.42%); highest among the groups gnomAD compares: Admixed American, 0.54%; 23 homozygotes.

Submissions (4):

Labcorp Genetics (formerly Invitae), Labcorp
Classification: Benign. Last evaluated: 2026-02-04. Review status: criteria provided, single submitter. Criteria: Invitae Variant Classification Sherloc (09022015). Collection method: clinical testing. Allele origin: germline.

Blueprint Genetics
Classification: Likely benign. Last evaluated: 2024-11-27. Review status: criteria provided, single submitter. Criteria: ACMG Guidelines, 2015. Collection method: clinical testing. Allele origin: germline.

Illumina Laboratory Services, Illumina
Classification: Likely benign for Fraser syndrome 2. Last evaluated: 2018-01-13. Review status: criteria provided, single submitter. Criteria: ICSL Variant Classification Criteria 13 December 2019. Collection method: clinical testing. Allele origin: germline.
Comment: This variant was observed in the ICSL laboratory as part of a predisposition screen in an ostensibly healthy population. It had not been previously curated by ICSL or reported in the Human Gene Mutation Database (HGMD: prior to June 1st, 2018), and was therefore a candidate for classification through an automated scoring system. Utilizing variant allele frequency, disease prevalence and penetrance estimates, and inheritance mode, an automated score was calculated to assess if this variant is too frequent to cause the disease. Based on the score and internal cut-off values, a variant classified as likely benign is not then subjected to further curation. The score for this variant resulted in a classification of likely benign for this disease.

Breakthrough Genomics
Classification: Likely benign. Review status: criteria provided, single submitter. Criteria: ACMG Guidelines, 2015. Collection method: not provided. Allele origin: germline. Inheritance: Autosomal recessive inheritance. Affected: yes.

NM_207361.6(FREM2):c.5642-12T>C

Gene: FREM2 (FRAS1 related extracellular matrix 2; plus strand). Cytogenetic location: 13q13.3.
Variant type: single nucleotide variant.
Coding change: c.5642-12T>C on transcript NM_207361.6 (MANE Select); 12 bases into the intron before coding-DNA position 5642, T replaced by C.
Molecular consequence: intron variant.
Genome position (GRCh38, 1-based): chr13:38,783,058, T>C. VCF-style: chr13-38783058-T-C. GRCh37 (hg19) VCF-style: chr13-39357195-T-C.
Identifiers: ClinVar variation 311996 (VCV000311996.14), dbSNP rs144415935, ClinGen allele CA6955307.
Genomic context (GRCh38, chr13:38,783,058, plus strand): 5'-AATTCTGTATGATTGTTTCAGAGGTAAGAAGCTCAGACAAAAATAATGCTTGCAATTGTG[T>C]TTTCTCTCTAGAGCCAACTGTGTTTATTCCCCAGTCCAAATACTCCGTTGAAGAAGATGT-3'